The following is an entry in ClinVar:

ClinVar aggregate classification (germline): Likely benign (1 of 4 stars; one submission).

gnomAD v4.1: 2 of 1,613,406 alleles (0.00012%); highest among the groups gnomAD compares: East Asian, 0.0022%; no homozygotes.

Submission:

CeGaT Center for Human Genetics Tuebingen
Classification: Likely benign. Last evaluated: 2025-05-01. Review status: criteria provided, single submitter. Criteria: CeGaT Center For Human Genetics Tuebingen Variant Classification Criteria Version 2. Collection method: clinical testing. Allele origin: germline. Affected: yes. Observed: 1 variant allele.
Comment: CIC: BP4, BP7

NM_001386298.1(CIC):c.6574C>T (p.Leu2192=)

Gene: CIC (capicua transcriptional repressor; plus strand). Cytogenetic location: 19q13.2.
Variant type: single nucleotide variant.
Coding change: c.6574C>T on transcript NM_001386298.1 (MANE Select); coding-DNA position 6574, C replaced by T.
Protein change: p.Leu2192=; no amino-acid change (leucine 2192 retained).
Molecular consequence: synonymous variant.
Genome position (GRCh38, 1-based): chr19:42,293,643, C>T. VCF-style: chr19-42293643-C-T. GRCh37 (hg19) VCF-style: chr19-42797795-C-T.
Other names: c.6574C>T, p.Leu2192= (NM_001304815.2, NM_001379482.1); c.6571C>T, p.Leu2191= (NM_001379480.1); c.3847C>T, p.Leu1283= (NM_001379484.1, NM_001379485.1, NM_015125.5).
Identifiers: ClinVar variation 3905841 (VCV003905841.10).